The following is an entry in ClinVar:

NM_000094.4(COL7A1):c.7420C>T (p.Arg2474Cys)

Gene: COL7A1 (collagen type VII alpha 1 chain; minus strand). Cytogenetic location: 3p21.31.
Variant type: single nucleotide variant.
Coding change: c.7420C>T on transcript NM_000094.4 (MANE Select); coding-DNA position 7420, C replaced by T.
Protein change: p.Arg2474Cys; replaces arginine 2474 with cysteine.
Molecular consequence: missense variant.
Genome position (GRCh38, 1-based): chr3:48,570,295, G>A on the plus strand (C>T on the coding strand, the complement: COL7A1 is on the minus strand). VCF-style: chr3-48570295-G-A. GRCh37 (hg19) VCF-style: chr3-48607728-G-A.
Other names: short protein forms R2474C.
Identifiers: ClinVar variation 2581276 (VCV002581276.3), dbSNP rs939213328, ClinGen allele CA73974137.

ClinVar aggregate classification (germline): Uncertain significance. Review status: criteria provided, multiple submitters, no conflicts (2 of 4 stars). 2 submissions from 2 submitters: Uncertain significance (2). Last evaluated 2024-04-30.

Allele frequency attached by ClinVar (database versions not stated): gnomAD exomes 0.00001; gnomAD 0.00002; TOPMed 0.00002.
gnomAD v4.1: 12 of 1,613,950 alleles (0.00074%); highest among the groups gnomAD compares: South Asian, 0.0022%; no homozygotes.

Submissions (2):

Labcorp Genetics (formerly Invitae), Labcorp
Classification: Uncertain significance. Last evaluated: 2024-04-30. Review status: criteria provided, single submitter. Criteria: Invitae Variant Classification Sherloc (09022015). Collection method: clinical testing. Allele origin: germline.
Comment: This sequence change replaces arginine, which is basic and polar, with cysteine, which is neutral and slightly polar, at codon 2474 of the COL7A1 protein (p.Arg2474Cys). This variant is present in population databases (no rsID available, gnomAD 0.003%). This missense change has been observed in individual(s) with autosomal recessive dystrophic epidermolysis bullosa (PMID: 31001817). ClinVar contains an entry for this variant (Variation ID: 2581276). Advanced modeling of protein sequence and biophysical properties (such as structural, functional, and spatial information, amino acid conservation, physicochemical variation, residue mobility, and thermodynamic stability) performed at Invitae indicates that this missense variant is expected to disrupt COL7A1 protein function with a positive predictive value of 80%. In summary, the available evidence is currently insufficient to determine the role of this variant in disease. Therefore, it has been classified as a Variant of Uncertain Significance.

Women's Health and Genetics/Laboratory Corporation of America, LabCorp
Classification: Uncertain significance. Last evaluated: 2023-08-03. Review status: criteria provided, single submitter. Criteria: LabCorp Variant Classification Summary - May 2015. Collection method: clinical testing. Allele origin: germline.
Comment: Variant summary: COL7A1 c.7420C>T (p.Arg2474Cys) results in a non-conservative amino acid change in the encoded protein sequence. Four of five in-silico tools predict a damaging effect of the variant on protein function. The variant allele was found at a frequency of 4e-06 in 251364 control chromosomes. The available data on variant occurrences in the general population are insufficient to allow any conclusion about variant significance. c.7420C>T has been reported in the literature in individuals affected with Dystrophic Epidermolysis Bullosa, Recessive (Mariath_2019). This report does not provide unequivocal conclusions about association of the variant with Dystrophic Epidermolysis Bullosa, Recessive. To our knowledge, no experimental evidence demonstrating an impact on protein function has been reported. The following publication have been ascertained in the context of this evaluation (PMID: 31001817). No submitters have cited clinical-significance assessments for this variant to ClinVar after 2014. Based on the evidence outlined above, the variant was classified as uncertain significance.

Literature cited by the submitters: PubMed 31001817 (cited by Labcorp Genetics (formerly Invitae), Labcorp and Women's Health and Genetics/Laboratory Corporation of America, LabCorp).